The following is an entry in ClinVar:

ClinVar aggregate classification (germline): Uncertain significance. Review status: criteria provided, multiple submitters, no conflicts (2 of 4 stars). 2 submissions from 2 submitters: Uncertain significance (2). Last evaluated 2025-07-02.

Conditions:
Inborn genetic diseases. Identifiers: MedGen C0950123, MeSH D030342.

Allele frequency attached by ClinVar (database versions not stated): gnomAD 0.00001; TOPMed 0.00001; gnomAD exomes 0.00002.
gnomAD v4.1: 39 of 1,613,904 alleles (0.0024%); highest among the groups gnomAD compares: Non-Finnish European, 0.0028%; no homozygotes.

Submissions (2):

Ambry Genetics
Classification: Uncertain significance for Inborn genetic diseases. Last evaluated: 2025-07-02. Review status: criteria provided, single submitter. Criteria: Ambry Variant Classification Scheme 2023. Collection method: clinical testing. Allele origin: germline.

Labcorp Genetics (formerly Invitae), Labcorp
Classification: Uncertain significance. Last evaluated: 2022-10-13. Review status: criteria provided, single submitter. Criteria: Invitae Variant Classification Sherloc (09022015). Collection method: clinical testing. Allele origin: germline.
Comment: This sequence change replaces glutamic acid, which is acidic and polar, with lysine, which is basic and polar, at codon 1896 of the CDH23 protein (p.Glu1896Lys). The frequency data for this variant in the population databases is considered unreliable, as metrics indicate poor data quality at this position in the gnomAD database. This variant has not been reported in the literature in individuals affected with CDH23-related conditions. Advanced modeling of protein sequence and biophysical properties (such as structural, functional, and spatial information, amino acid conservation, physicochemical variation, residue mobility, and thermodynamic stability) performed at Invitae indicates that this missense variant is not expected to disrupt CDH23 protein function. In summary, the available evidence is currently insufficient to determine the role of this variant in disease. Therefore, it has been classified as a Variant of Uncertain Significance.

NM_022124.6(CDH23):c.5686G>A (p.Glu1896Lys)

Gene: CDH23 (cadherin related 23; plus strand). Cytogenetic location: 10q22.1.
Variant type: single nucleotide variant.
Coding change: c.5686G>A on transcript NM_022124.6 (MANE Select); coding-DNA position 5686, G replaced by A.
Protein change: p.Glu1896Lys; replaces glutamic acid 1896 with lysine.
Molecular consequence: missense variant.
Genome position (GRCh38, 1-based): chr10:71,785,074, G>A. VCF-style: chr10-71785074-G-A. GRCh37 (hg19) VCF-style: chr10-73544831-G-A.
Other names: c.5686G>A (NM_022124.5); short protein forms E1896K.
Identifiers: ClinVar variation 2149982 (VCV002149982.2), dbSNP rs1483080564, ClinGen allele CA377147137.